The following is an entry in ClinVar:

NM_015057.5(MYCBP2):c.2940-8T>G

Gene: MYCBP2 (MYC binding protein 2; minus strand). Cytogenetic location: 13q22.3.
Variant type: single nucleotide variant.
Coding change: c.2940-8T>G on transcript NM_015057.5 (MANE Select); 8 bases into the intron before coding-DNA position 2940, T replaced by G.
Molecular consequence: intron variant.
Genome position (GRCh38, 1-based): chr13:77,217,965, A>C on the plus strand (T>G on the coding strand, the complement: MYCBP2 is on the minus strand). VCF-style: chr13-77217965-A-C. GRCh37 (hg19) VCF-style: chr13-77792100-A-C.
Identifiers: ClinVar variation 3041531 (VCV003041531.2), dbSNP rs753119277, ClinGen allele CA7010083.

ClinVar aggregate classification (germline): Benign (0 of 4 stars; one submission).

Conditions:
MYCBP2-related disorder. Also called: MYCBP2-related condition.

Allele frequency attached by ClinVar (database versions not stated): gnomAD 0.00001; ExAC 0.04558.
gnomAD v4.1: 749 of 221,462 alleles (0.34%); highest among the groups gnomAD compares: East Asian, 6.9%; no homozygotes.

Submission:

PreventionGenetics, part of Exact Sciences
Classification: Benign for MYCBP2-related condition. Last evaluated: 2019-02-26. Review status: no assertion criteria provided. Collection method: clinical testing. Allele origin: germline.
Comment: This variant is classified as benign based on ACMG/AMP sequence variant interpretation guidelines (Richards et al. 2015 PMID: 25741868, with internal and published modifications).